The following is an entry in ClinVar:

ClinVar aggregate classification (germline): Likely pathogenic (1 of 4 stars; one submission).

Conditions:
Leukocyte adhesion deficiency 1 (LAD1). Also called: LAD 1; Lymphocyte function-associated antigen 1 immunodeficiency; LFA 1 immunodeficiency; LEUKOCYTE ADHESION DEFICIENCY, TYPE I. Identifiers: Orphanet 2968, Orphanet 99842, MedGen C0398738, MONDO:0007293, OMIM 116920.

Allele frequency attached by ClinVar (database versions not stated): gnomAD exomes below 0.00001; TOPMed below 0.00001; gnomAD 0.00001.
gnomAD v4.1: 4 of 1,607,632 alleles (0.00025%); highest among the groups gnomAD compares: South Asian, 0.0011%; no homozygotes.

Submission:

Centre for Mendelian Genomics, University Medical Centre Ljubljana
Classification: Likely pathogenic for Leukocyte adhesion deficiency 1. Last evaluated: 2019-10-27. Review status: criteria provided, single submitter. Criteria: ACMG Guidelines, 2015. Collection method: clinical testing. Allele origin: unknown. Affected: yes.
Comment: This variant was classified as: Likely pathogenic. The following ACMG criteria were applied in classifying this variant: PVS1,PM2.

NM_000211.5(ITGB2):c.2077C>T (p.Arg693Ter)

Gene: ITGB2 (integrin subunit beta 2; minus strand). Cytogenetic location: 21q22.3.
Variant type: single nucleotide variant.
Coding change: c.2077C>T on transcript NM_000211.5 (MANE Select); coding-DNA position 2077, C replaced by T.
Protein change: p.Arg693Ter; replaces arginine 693 with a stop codon.
Molecular consequence: nonsense.
Genome position (GRCh38, 1-based): chr21:44,888,696, G>A on the plus strand (C>T on the coding strand, the complement: ITGB2 is on the minus strand). VCF-style: chr21-44888696-G-A. GRCh37 (hg19) VCF-style: chr21-46308611-G-A.
Other names: c.2077C>T, p.Arg693Ter (NM_001127491.3); c.1870C>T, p.Arg624Ter (NM_001303238.2); short protein forms R693*, R624*.
Identifiers: ClinVar variation 931725 (VCV000931725.3), dbSNP rs2083734400, ClinGen allele CA410483228.